The following is an entry in ClinVar:

NM_001365276.2(TNXB):c.9501G>A (p.Pro3167=)

Gene: TNXB (tenascin XB; minus strand). Cytogenetic location: 6p21.33.
Variant type: single nucleotide variant.
Coding change: c.9501G>A on transcript NM_001365276.2 (MANE Select); coding-DNA position 9501, G replaced by A.
Protein change: p.Pro3167=; no amino-acid change (proline 3167 retained).
Molecular consequence: synonymous variant.
Genome position (GRCh38, 1-based): chr6:32,049,526, C>T on the plus strand (G>A on the coding strand, the complement: TNXB is on the minus strand). VCF-style: chr6-32049526-C-T. GRCh37 (hg19) VCF-style: chr6-32017303-C-T.
Other names: c.10242G>A, p.Pro3414= (NM_001428335.1); c.9495G>A, p.Pro3165= (NM_019105.8).
Identifiers: ClinVar variation 3459711 (VCV003459711.7).

ClinVar aggregate classification (germline): Likely benign. Review status: criteria provided, multiple submitters, no conflicts (2 of 4 stars). 4 submissions from 4 submitters: Likely benign (4). Last evaluated 2026-09-01.

Conditions:
Cardiovascular phenotype. Identifiers: MedGen CN230736.

gnomAD v4.1: 50 of 1,612,414 alleles (0.0031%); highest among the groups gnomAD compares: Non-Finnish European, 0.0038%; no homozygotes.

Submissions (4):

CeGaT Center for Human Genetics Tuebingen
Classification: Likely benign. Last evaluated: 2026-09-01. Review status: criteria provided, single submitter. Criteria: CeGaT Center For Human Genetics Tuebingen Variant Classification Criteria Version 2. Collection method: clinical testing. Allele origin: germline. Affected: yes. Observed: 2 variant alleles.
Comment: TNXB: BP4, BP7

Women's Health and Genetics/Laboratory Corporation of America, LabCorp
Classification: Likely benign. Last evaluated: 2026-04-06. Review status: criteria provided, single submitter. Criteria: LabCorp Variant Classification Summary - May 2015. Collection method: clinical testing. Allele origin: germline.

Labcorp Genetics (formerly Invitae), Labcorp
Classification: Likely benign. Last evaluated: 2025-11-23. Review status: criteria provided, single submitter. Criteria: Invitae Variant Classification Sherloc (09022015). Collection method: clinical testing. Allele origin: germline.

Ambry Genetics
Classification: Likely benign for Cardiovascular phenotype. Last evaluated: 2024-08-03. Review status: criteria provided, single submitter. Criteria: Ambry Variant Classification Scheme 2023. Collection method: clinical testing. Allele origin: germline.